The following is an entry in ClinVar:

ClinVar aggregate classification (germline): Pathogenic/Likely pathogenic. Review status: criteria provided, multiple submitters, no conflicts (2 of 4 stars). 5 submissions from 5 submitters: Pathogenic (2); Likely pathogenic (2). 1 of the submissions does not count toward it. Last evaluated 2025-12-26.

Conditions:
Deficiency of aromatic-L-amino-acid decarboxylase. Also called: Aromatic amino acid decarboxylase deficiency; AADC DEFICIENCY; DDC DEFICIENCY; DOPA DECARBOXYLASE DEFICIENCY; Aromatic L-Amino Acid Decarboxylase Deficiency. Identifiers: Orphanet 35708, MedGen C1291564, MONDO:0012084, OMIM 608643.

Allele frequency attached by ClinVar (database versions not stated): gnomAD 0.00004 and 0.00003; gnomAD exomes 0.00004 and 0.00001; TOPMed 0.00002.
gnomAD v4.1: 63 of 1,613,848 alleles (0.0039%); highest among the groups gnomAD compares: Non-Finnish European, 0.0053%; no homozygotes.

Submissions (5):

Labcorp Genetics (formerly Invitae), Labcorp
Classification: Pathogenic for Deficiency of aromatic-L-amino-acid decarboxylase. Last evaluated: 2025-12-26. Review status: criteria provided, single submitter. Criteria: Invitae Variant Classification Sherloc (09022015). Collection method: clinical testing. Allele origin: germline.
Comment: This sequence change replaces glycine, which is neutral and non-polar, with arginine, which is basic and polar, at codon 96 of the DDC protein (p.Gly96Arg). This variant is present in population databases (no rsID available, gnomAD 0.003%). This missense change has been observed in individual(s) with aromatic L-amino acid decarboxylase deficiency (PMID: 25956449, 28856607, 32369189, 37348148). ClinVar contains an entry for this variant (Variation ID: 973440). Invitae Evidence Modeling of protein sequence and biophysical properties (such as structural, functional, and spatial information, amino acid conservation, physicochemical variation, residue mobility, and thermodynamic stability) has been performed for this missense variant. However, the output from this modeling did not meet the statistical confidence thresholds required to predict the impact of this variant on DDC protein function. Experimental studies have shown that this missense change affects DDC function (PMID: 31953134). For these reasons, this variant has been classified as Pathogenic.

GeneDx
Classification: Likely pathogenic. Last evaluated: 2025-07-25. Review status: criteria provided, single submitter. Criteria: GeneDx Variant Classification Process June 2021. Collection method: clinical testing. Allele origin: germline. Affected: yes.
Comment: Published functional studies demonstrate G96R decreased DDC catalytic efficiency (PMID: 31953134); In silico analysis supports that this missense variant has a deleterious effect on protein structure/function; Not observed at significant frequency in large population cohorts (gnomAD); This variant is associated with the following publications: (PMID: 25956449, 32369189, 33152132, 28856607, 28823629, 30109838, 30169182, 32111562, 33808712, 37453860, 35449147, 37348148, 36427457, 37286773, 37036266, 30952622, 34763085, 31953134, 27535533)

Fulgent Genetics
Classification: Likely pathogenic for Deficiency of aromatic-L-amino-acid decarboxylase. Last evaluated: 2024-05-11. Review status: criteria provided, single submitter. Criteria: ACMG Guidelines, 2015. Collection method: clinical testing. Allele origin: germline.

Women's Health and Genetics/Laboratory Corporation of America, LabCorp
Classification: Pathogenic for Deficiency of aromatic-L-amino-acid decarboxylase. Last evaluated: 2024-05-04. Review status: criteria provided, single submitter. Criteria: LabCorp Variant Classification Summary - May 2015. Collection method: clinical testing. Allele origin: germline.
Comment: Variant summary: DDC c.286G>A (p.Gly96Arg) results in a non-conservative amino acid change in the encoded protein sequence. Three of five in-silico tools predict a damaging effect of the variant on protein function. The variant allele was found at a frequency of 1.2e-05 in 250822 control chromosomes. c.286G>A has been reported in the literature in multiple compound heterozygous individuals affected with Deficiency Of Aromatic-L-Amino-Acid Decarboxylase (e.g. Tai_2022, Cordiero_2018, Atwal_2015, Hwu_2017, Pearson_2020, Hyland_2020). These data indicate that the variant is likely to be associated with disease. At least one publication reports experimental evidence evaluating an impact on protein function. The most pronounced variant effect results in 2% of normal decarboxylase enzyme activity in vitro (Montioli_2020). ClinVar contains an entry for this variant (Variation ID: 973440). Based on the evidence outlined above, the variant was classified as pathogenic.

Elsea Laboratory, Baylor College of Medicine
Classification: Likely pathogenic for Deficiency of aromatic-L-amino-acid decarboxylase. Last evaluated: 2020-04-01. Review status: no assertion criteria provided. Collection method: clinical testing. Allele origin: maternal. Affected: yes. Not counted in ClinVar's aggregate classification.

Literature cited by the submitters: PubMed 25956449 (cited by Labcorp Genetics (formerly Invitae), Labcorp and Women's Health and Genetics/Laboratory Corporation of America, LabCorp); PubMed 28856607 (cited by Labcorp Genetics (formerly Invitae), Labcorp and Women's Health and Genetics/Laboratory Corporation of America, LabCorp); PubMed 32369189 (cited by Labcorp Genetics (formerly Invitae), Labcorp and Women's Health and Genetics/Laboratory Corporation of America, LabCorp); PubMed 37348148 (cited by Labcorp Genetics (formerly Invitae), Labcorp); PubMed 31953134 (cited by Labcorp Genetics (formerly Invitae), Labcorp and Women's Health and Genetics/Laboratory Corporation of America, LabCorp); PubMed 30109838 (cited by Women's Health and Genetics/Laboratory Corporation of America, LabCorp); PubMed 32111562 (cited by Women's Health and Genetics/Laboratory Corporation of America, LabCorp); PubMed 34763085 (cited by Women's Health and Genetics/Laboratory Corporation of America, LabCorp).

NM_001082971.2(DDC):c.286G>A (p.Gly96Arg)

Genes: DDC (dopa decarboxylase; minus strand), DDC-AS1 (DDC antisense RNA 1; plus strand). Cytogenetic location: 7p12.1.
Variant type: single nucleotide variant.
Coding change: c.286G>A on transcript NM_001082971.2 (MANE Select); coding-DNA position 286, G replaced by A.
Protein change: p.Gly96Arg; replaces glycine 96 with arginine.
Molecular consequence: missense variant. On other transcripts: non-coding transcript variant (1), intron variant (2).
Genome position (GRCh38, 1-based): chr7:50,539,944, C>T on the plus strand (G>A on the coding strand, the complement: DDC is on the minus strand). VCF-style: chr7-50539944-C-T. GRCh37 (hg19) VCF-style: chr7-50607642-C-T.
Other names: c.286G>A, p.Gly96Arg (NM_000790.4, NM_001242887.2, NM_001242889.2 and 1 more transcripts); c.201+3941G>A (NM_001242888.2); c.202-1965G>A (NM_001242886.2); short protein forms G96R.
Identifiers: ClinVar variation 973440 (VCV000973440.11), dbSNP rs1285477390, ClinGen allele CA367529579.